The following is an entry in ClinVar:

NM_006031.6(PCNT):c.6230T>C (p.Leu2077Pro)

Gene: PCNT (pericentrin; plus strand). Cytogenetic location: 21q22.3.
Variant type: single nucleotide variant.
Coding change: c.6230T>C on transcript NM_006031.6 (MANE Select); coding-DNA position 6230, T replaced by C.
Protein change: p.Leu2077Pro; replaces leucine 2077 with proline.
Molecular consequence: missense variant.
Genome position (GRCh38, 1-based): chr21:46,416,148, T>C. VCF-style: chr21-46416148-T-C. GRCh37 (hg19) VCF-style: chr21-47836062-T-C.
Other names: c.5876T>C, p.Leu1959Pro (NM_001315529.2); short protein forms L2077P, L1959P.
Identifiers: ClinVar variation 4986565 (VCV004986565.1).

ClinVar aggregate classification (germline): Uncertain significance (1 of 4 stars; one submission).

Conditions:
PCNT-related disorder. Also called: PCNT-related condition.

gnomAD v4.1: 4 of 1,614,088 alleles (0.00025%); highest among the groups gnomAD compares: Admixed American, 0.0017%; no homozygotes.

Submission:

PreventionGenetics, part of Exact Sciences
Classification: Uncertain significance for PCNT-related condition. Last evaluated: 2026-01-13. Review status: criteria provided, single submitter. Criteria: ACMG Guidelines, 2015. Collection method: clinical testing. Allele origin: germline.
Comment: The PCNT c.6230T>C variant is predicted to result in the amino acid substitution p.Leu2077Pro. To our knowledge, this variant has not been reported in the literature or in a large population database (gnomAD), indicating this variant is rare. At this time, the clinical significance of this variant is uncertain due to the absence of conclusive functional and genetic evidence.